The following is an entry in ClinVar:

ClinVar aggregate classification (germline): Pathogenic (1 of 4 stars; one submission).

Submission:

Labcorp Genetics (formerly Invitae), Labcorp
Classification: Pathogenic. Last evaluated: 2024-11-14. Review status: criteria provided, single submitter. Criteria: Invitae Variant Classification Sherloc (09022015). Collection method: clinical testing. Allele origin: germline.
Comment: This sequence change creates a premature translational stop signal (p.Glu461Argfs*14) in the ASNS gene. It is expected to result in an absent or disrupted protein product. Loss-of-function variants in ASNS are known to be pathogenic (PMID: 27422383, 30057589). This variant is present in population databases (no rsID available, gnomAD 0.01%). This variant has not been reported in the literature in individuals affected with ASNS-related conditions. For these reasons, this variant has been classified as Pathogenic.

Literature cited by the submitters: PubMed 27422383; PubMed 30057589.

NM_001673.5(ASNS):c.1377del (p.Glu461fs)

Genes: CZ1P-ASNS (CZ1P-ASNS readthrough; minus strand), ASNS (asparagine synthetase (glutamine-hydrolyzing); minus strand). Cytogenetic location: 7q21.3.
Variant type: Deletion.
Coding change: c.1377del on transcript NM_001673.5 (MANE Select); coding-DNA position 1377, one base deleted (C; older notation c.1377delC).
Protein change: p.Glu461fs; shifts the reading frame from glutamic acid 461.
Molecular consequence: frameshift variant. On other transcripts: non-coding transcript variant (1).
Genome position (GRCh38, 1-based): chr7:97,853,159, G deleted on the plus strand (C on the coding strand, the reverse complement: ASNS is on the minus strand); the first of 3 consecutive G bases (chr7:97,853,159-97,853,161); deleting any one gives the same sequence. VCF-style (leftmost placement, unchanged base first): chr7-97853158-TG-T. GRCh37 (hg19) VCF-style: chr7-97482470-TG-T.
Other names: c.1314del, p.Glu440fs (NM_001178075.2); c.1128del, p.Glu378fs (NM_001178076.2, NM_001178077.1); c.1377del, p.Glu461fs (NM_001352496.2, NM_133436.3, NM_183356.4); short protein forms E378fs, E440fs, E461fs.
Identifiers: ClinVar variation 3615221 (VCV003615221.2).